The following is an entry in ClinVar:

NM_145045.5(ODAD3):c.1294G>A (p.Ala432Thr)

Gene: ODAD3 (outer dynein arm docking complex subunit 3; minus strand). Cytogenetic location: 19p13.2.
Variant type: single nucleotide variant.
Coding change: c.1294G>A on transcript NM_145045.5 (MANE Select); coding-DNA position 1294, G replaced by A.
Protein change: p.Ala432Thr; replaces alanine 432 with threonine.
Molecular consequence: missense variant.
Genome position (GRCh38, 1-based): chr19:11,422,611, C>T on the plus strand (G>A on the coding strand, the complement: ODAD3 is on the minus strand). VCF-style: chr19-11422611-C-T. GRCh37 (hg19) VCF-style: chr19-11533279-C-T.
Other names: c.1132G>A, p.Ala378Thr (NM_001302453.1); c.1114G>A, p.Ala372Thr (NM_001302454.2); c.1294G>A (NM_145045.4); short protein forms A372T, A378T, A432T.
Identifiers: ClinVar variation 1682764 (VCV001682764.7), dbSNP rs377241671, ClinGen allele CA305327076.

ClinVar aggregate classification (germline): Uncertain significance. Review status: criteria provided, multiple submitters, no conflicts (2 of 4 stars). 2 submissions from 2 submitters: Uncertain significance (2). Last evaluated 2024-03-20.

Conditions:
Primary ciliary dyskinesia 30. Also called: CILIARY DYSKINESIA, PRIMARY, 30, WITH OR WITHOUT SITUS INVERSUS. Identifiers: Orphanet 244, MedGen C4015016, MONDO:0014465, OMIM 616037.
Inborn genetic diseases. Identifiers: MedGen C0950123, MeSH D030342.

Allele frequency attached by ClinVar (database versions not stated): TOPMed below 0.00001; gnomAD 0.00001; gnomAD exomes 0.00001.
gnomAD v4.1: 10 of 1,598,688 alleles (0.00063%); highest among the groups gnomAD compares: East Asian, 0.0067%; no homozygotes.

Submissions (2):

Ambry Genetics
Classification: Uncertain significance for Inborn genetic diseases. Last evaluated: 2024-03-20. Review status: criteria provided, single submitter. Criteria: Ambry Variant Classification Scheme 2023. Collection method: clinical testing. Allele origin: germline.

Labcorp Genetics (formerly Invitae), Labcorp
Classification: Uncertain significance for Primary ciliary dyskinesia 30. Last evaluated: 2021-12-22. Review status: criteria provided, single submitter. Criteria: Invitae Variant Classification Sherloc (09022015). Collection method: clinical testing. Allele origin: germline.
Comment: In summary, the available evidence is currently insufficient to determine the role of this variant in disease. Therefore, it has been classified as a Variant of Uncertain Significance. Algorithms developed to predict the effect of missense changes on protein structure and function output the following: SIFT: "Tolerated"; PolyPhen-2: "Benign"; Align-GVGD: "Class C0". The threonine amino acid residue is found in multiple mammalian species, which suggests that this missense change does not adversely affect protein function. This variant has not been reported in the literature in individuals affected with CCDC151-related conditions. The frequency data for this variant in the population databases is considered unreliable, as metrics indicate poor data quality at this position in the gnomAD database. This sequence change replaces alanine, which is neutral and non-polar, with threonine, which is neutral and polar, at codon 432 of the CCDC151 protein (p.Ala432Thr).